The following is an entry in ClinVar:

ClinVar aggregate classification (germline): Conflicting classifications of pathogenicity. Review status: criteria provided, conflicting classifications (1 of 4 stars). 4 submissions from 4 submitters: Pathogenic (1); Likely pathogenic (1); Uncertain significance (1). 1 of the submissions does not count toward it. Last evaluated 2024-09-19.

Conditions:
MPZ-related disorder. Also called: MPZ-related disorders; MPZ-related condition.
Charcot-Marie-Tooth disease, type I (CMT1). Also called: Charcot-Marie-Tooth, Type 1; Charcot-Marie-Tooth disease type 1. Identifiers: Orphanet 65753, MedGen C0751036, MONDO:0019011.
Charcot-Marie-Tooth disease. Also called: Charcot-Marie-Tooth Hereditary Neuropathy; Charcot-Marie-Tooth Neuropathy. Identifiers: Orphanet 166, MedGen C0007959, MONDO:0015626.

Submissions (4):

Blueprint Genetics
Classification: Likely pathogenic for MPZ-related disorders. Last evaluated: 2024-09-19. Review status: criteria provided, single submitter. Criteria: ACMG Guidelines, 2015. Collection method: clinical testing. Allele origin: germline. Affected: yes. Observed: 5 variant alleles.

Labcorp Genetics (formerly Invitae), Labcorp
Classification: Pathogenic for Charcot-Marie-Tooth disease, type I. Last evaluated: 2024-02-12. Review status: criteria provided, single submitter. Criteria: Invitae Variant Classification Sherloc (09022015). Collection method: clinical testing. Allele origin: germline.
Comment: This sequence change replaces isoleucine, which is neutral and non-polar, with threonine, which is neutral and polar, at codon 114 of the MPZ protein (p.Ile114Thr). This variant is not present in population databases (gnomAD no frequency). This missense change has been observed in individuals with clinical features of Charcot-Marie-Tooth disease (PMID: 26310628; Invitae). ClinVar contains an entry for this variant (Variation ID: 242787). Advanced modeling of protein sequence and biophysical properties (such as structural, functional, and spatial information, amino acid conservation, physicochemical variation, residue mobility, and thermodynamic stability) performed at Invitae indicates that this missense variant is expected to disrupt MPZ protein function with a positive predictive value of 80%. Experimental studies have shown that this missense change affects MPZ function (PMID: 29687021). For these reasons, this variant has been classified as Pathogenic.

Mayo Clinic Laboratories, Mayo Clinic
Classification: Uncertain significance. Last evaluated: 2019-08-05. Review status: criteria provided, single submitter. Criteria: ACMG Guidelines, 2015. Collection method: clinical testing. Allele origin: germline. Observed: 1 variant allele.

Inherited Neuropathy Consortium
Classification: Uncertain significance for Charcot-Marie-Tooth disease. Review status: no assertion criteria provided. Collection method: literature only. Allele origin: germline. Affected: yes. Not counted in ClinVar's aggregate classification.

Literature cited by the submitters: PubMed 26310628 (cited by Labcorp Genetics (formerly Invitae), Labcorp); PubMed 29687021 (cited by Labcorp Genetics (formerly Invitae), Labcorp); PubMed 11545686 (cited by Inherited Neuropathy Consortium).

NM_000530.8(MPZ):c.341T>C (p.Ile114Thr)

Gene: MPZ (myelin protein zero; minus strand). Cytogenetic location: 1q23.3.
Variant type: single nucleotide variant.
Coding change: c.341T>C on transcript NM_000530.8 (MANE Select); coding-DNA position 341, T replaced by C.
Protein change: p.Ile114Thr; replaces isoleucine 114 with threonine.
Molecular consequence: missense variant.
Genome position (GRCh38, 1-based): chr1:161,306,815, A>G on the plus strand (T>C on the coding strand, the complement: MPZ is on the minus strand). VCF-style: chr1-161306815-A-G. GRCh37 (hg19) VCF-style: chr1-161276605-A-G.
Other names: I85T; c.341T>C, p.Ile114Thr (LRG_256t1, NM_001315491.2); short protein forms I114T.
Identifiers: ClinVar variation 242787 (VCV000242787.18), dbSNP rs267607241, ClinGen allele CA351444.